The following is an entry in ClinVar:

ClinVar aggregate classification (germline): Uncertain significance. Review status: criteria provided, multiple submitters, no conflicts (2 of 4 stars). 2 submissions from 2 submitters: Uncertain significance (2). Last evaluated 2025-06-09.

Conditions:
Inborn genetic diseases. Identifiers: MedGen C0950123, MeSH D030342.

gnomAD v4.1: 5 of 1,211,200 alleles (0.00041%); highest among the groups gnomAD compares: Non-Finnish European, 0.00056%; no homozygotes.

Submissions (2):

Labcorp Genetics (formerly Invitae), Labcorp
Classification: Uncertain significance. Last evaluated: 2025-06-09. Review status: criteria provided, single submitter. Criteria: Invitae Variant Classification Sherloc (09022015). Collection method: clinical testing. Allele origin: germline.
Comment: This sequence change replaces alanine, which is neutral and non-polar, with valine, which is neutral and non-polar, at codon 577 of the FRMD7 protein (p.Ala577Val). The frequency data for this variant in the population databases is considered unreliable, as metrics indicate poor data quality at this position in the gnomAD database. This variant has not been reported in the literature in individuals affected with FRMD7-related conditions. ClinVar contains an entry for this variant (Variation ID: 856897). An algorithm developed to predict the effect of missense changes on protein structure and function outputs the following: PolyPhen-2: "Benign". The valine amino acid residue is found in multiple mammalian species, which suggests that this missense change does not adversely affect protein function. In summary, the available evidence is currently insufficient to determine the role of this variant in disease. Therefore, it has been classified as a Variant of Uncertain Significance.

Ambry Genetics
Classification: Uncertain significance for Inborn genetic diseases. Last evaluated: 2022-07-26. Review status: criteria provided, single submitter. Criteria: Ambry Variant Classification Scheme 2023. Collection method: clinical testing. Allele origin: germline.

NM_194277.3(FRMD7):c.1730C>T (p.Ala577Val)

Gene: FRMD7 (FERM domain containing 7; minus strand). Cytogenetic location: Xq26.2.
Variant type: single nucleotide variant.
Coding change: c.1730C>T on transcript NM_194277.3 (MANE Select); coding-DNA position 1730, C replaced by T.
Protein change: p.Ala577Val; replaces alanine 577 with valine.
Molecular consequence: missense variant.
Genome position (GRCh38, 1-based): chrX:132,078,287, G>A on the plus strand (C>T on the coding strand, the complement: FRMD7 is on the minus strand). VCF-style: chrX-132078287-G-A. GRCh37 (hg19) VCF-style: chrX-131212315-G-A.
Other names: c.1685C>T, p.Ala562Val (NM_001306193.2); short protein forms A562V, A577V.
Identifiers: ClinVar variation 856897 (VCV000856897.12), dbSNP rs752045112, ClinGen allele CA335857481.
Genomic context (GRCh38, chrX:132,078,287, plus strand): 5'-TTCATGTCTGATTGGCTCTGGGACCTTTTAGGGGTTTGCTCTTGAATGTTACATACAAAT[G>A]CATCTTCCAAATTTGGGTCTTCCTCTTCTAGACCTACATTGATGTTGCTCCTACCGCTAG-3'
Protein context (NP_919253.1, residues 567-587): LEEEDPNLED[Ala577Val]FVCNIQEQTP